The following is an entry in ClinVar:

NM_000444.6(PHEX):c.142C>T (p.Gln48Ter)

Gene: PHEX (phosphate regulating endopeptidase X-linked; plus strand). Cytogenetic location: Xp22.11.
Variant type: single nucleotide variant.
Coding change: c.142C>T on transcript NM_000444.6 (MANE Select); coding-DNA position 142, C replaced by T.
Protein change: p.Gln48Ter; replaces glutamine 48 with a stop codon.
Molecular consequence: nonsense.
Genome position (GRCh38, 1-based): chrX:22,038,492, C>T. VCF-style: chrX-22038492-C-T. GRCh37 (hg19) VCF-style: chrX-22056610-C-T.
Other names: c.142C>T, p.Gln48Ter (NM_001282754.2); short protein forms Q48*.
Identifiers: ClinVar variation 438523 (VCV000438523.5), dbSNP rs202074612, ClinGen allele CA412564842.

ClinVar aggregate classification (germline): Pathogenic. Review status: criteria provided, multiple submitters, no conflicts (2 of 4 stars). 3 submissions from 3 submitters: Pathogenic (3). Last evaluated 2025-06-27.

Conditions:
PHEX-related disorder. Also called: PHEX-related condition.
Familial X-linked hypophosphatemic vitamin D refractory rickets (XLHRD). Also called: X-Linked Hypophosphatemia; HYPOPHOSPHATEMIC VITAMIN D-RESISTANT RICKETS; Hypophosphatemic Rickets, X-Linked Dominant; Hypophosphatemia, vitamin D-resistant rickets; Vitamin D-resistant rickets, X-linked. Identifiers: Orphanet 89936, MedGen C0733682, MONDO:0010619, OMIM 307800.

Submissions (3):

Labcorp Genetics (formerly Invitae), Labcorp
Classification: Pathogenic. Last evaluated: 2025-06-27. Review status: criteria provided, single submitter. Criteria: Invitae Variant Classification Sherloc (09022015). Collection method: clinical testing. Allele origin: germline.
Comment: This sequence change creates a premature translational stop signal (p.Gln48*) in the PHEX gene. It is expected to result in an absent or disrupted protein product. Loss-of-function variants in PHEX are known to be pathogenic (PMID: 9097956, 9106524, 19219621). This variant is not present in population databases (gnomAD no frequency). This premature translational stop signal has been observed in individual(s) with hypophosphatemic rickets (PMID: 19219621, 40126839). ClinVar contains an entry for this variant (Variation ID: 438523). Algorithms developed to predict the effect of sequence changes on RNA splicing suggest that this variant may disrupt the consensus splice site. For these reasons, this variant has been classified as Pathogenic.

Blueprint Genetics
Classification: Pathogenic for PHEX-related disorders. Last evaluated: 2024-05-15. Review status: criteria provided, single submitter. Criteria: ACMG Guidelines, 2015. Collection method: clinical testing. Allele origin: germline. Affected: yes. Observed: 1 variant allele.

Institute of Human Genetics Munich, TUM University Hospital
Classification: Pathogenic for Familial X-linked hypophosphatemic vitamin D refractory rickets. Last evaluated: 2013-10-31. Review status: criteria provided, single submitter. Criteria: Classification criteria August 2017. Collection method: clinical testing. Allele origin: maternal, germline. Inheritance: X-linked inheritance. Affected: yes. Observed: 1 heterozygote, 2 hemizygotes.

Literature cited by the submitters: PubMed 9097956 (cited by Labcorp Genetics (formerly Invitae), Labcorp); PubMed 9106524 (cited by Labcorp Genetics (formerly Invitae), Labcorp); PubMed 19219621 (cited by Labcorp Genetics (formerly Invitae), Labcorp); PubMed 40126839 (cited by Labcorp Genetics (formerly Invitae), Labcorp).